The following is an entry in ClinVar:

ClinVar aggregate classification (germline): Uncertain significance (1 of 4 stars; one submission).

Submission:

GeneDx
Classification: Uncertain significance. Last evaluated: 2025-01-10. Review status: criteria provided, single submitter. Criteria: GeneDx Variant Classification Process June 2021. Collection method: clinical testing. Allele origin: germline. Affected: yes.
Comment: Not observed at significant frequency in large population cohorts (gnomAD); In silico analysis supports that this missense variant has a deleterious effect on protein structure/function; Has not been previously published as pathogenic or benign to our knowledge

NM_004606.5(TAF1):c.1631G>A (p.Gly544Glu)

Gene: TAF1 (TATA-box binding protein associated factor 1; plus strand). Cytogenetic location: Xq13.1.
Variant type: single nucleotide variant.
Coding change: c.1631G>A on transcript NM_004606.5 (MANE Select); coding-DNA position 1631, G replaced by A.
Protein change: p.Gly544Glu; replaces glycine 544 with glutamic acid.
Molecular consequence: missense variant. On other transcripts: non-coding transcript variant (9).
Genome position (GRCh38, 1-based): chrX:71,382,629, G>A. VCF-style: chrX-71382629-G-A. GRCh37 (hg19) VCF-style: chrX-70602479-G-A.
Other names: c.1631G>A, p.Gly544Glu (NM_001286074.2); c.1568G>A, p.Gly523Glu (NM_138923.4); short protein forms G523E, G544E.
Identifiers: ClinVar variation 4057152 (VCV004057152.1).
Genomic context (GRCh38, chrX:71,382,629, plus strand): 5'-ACTCCCCCTCCAAGGAGAGTAAGAAGGAATCATCTCTGAAGAAGAGTCGAATTCTCTTAG[G>A]GAAAACAGGAGTCATCAAGGAGGAACCACAGCAGGTGTGTGAAGAAAAAAGGGGCTTGGT-3'
Protein context (NP_004597.3, residues 534-554): SSLKKSRILL[Gly544Glu]KTGVIKEEPQ